The following is an entry in ClinVar:

ClinVar aggregate classification (germline): Pathogenic (1 of 4 stars; one submission).

Conditions:
Carnitine palmitoyltransferase II deficiency. Also called: Carnitine Palmitoyltransferase 2 Deficiency. Identifiers: Orphanet 157, MedGen C0342790, MONDO:0015515.

Submission:

Labcorp Genetics (formerly Invitae), Labcorp
Classification: Pathogenic for Carnitine palmitoyltransferase II deficiency. Last evaluated: 2022-03-26. Review status: criteria provided, single submitter. Criteria: Invitae Variant Classification Sherloc (09022015). Collection method: clinical testing. Allele origin: germline.
Comment: This variant has not been reported in the literature in individuals affected with CPT2-related conditions. For these reasons, this variant has been classified as Pathogenic. This variant is not present in population databases (gnomAD no frequency). This sequence change creates a premature translational stop signal (p.Pro399Hisfs*21) in the CPT2 gene. It is expected to result in an absent or disrupted protein product. Loss-of-function variants in CPT2 are known to be pathogenic (PMID: 16781677, 16996287).

Literature cited by the submitters: PubMed 16781677; PubMed 16996287.

NM_000098.3(CPT2):c.1196del (p.Pro399fs)

Gene: CPT2 (carnitine palmitoyltransferase 2; plus strand). Cytogenetic location: 1p32.3.
Variant type: Deletion.
Coding change: c.1196del on transcript NM_000098.3 (MANE Select); coding-DNA position 1196, one base deleted (C; older notation c.1196delC).
Protein change: p.Pro399fs; shifts the reading frame from proline 399.
Molecular consequence: frameshift variant.
Genome position (GRCh38, 1-based): chr1:53,210,870, C deleted; the last of 2 consecutive C bases (chr1:53,210,869-53,210,870); deleting either gives the same sequence. VCF-style (leftmost placement, unchanged base first): chr1-53210868-TC-T. GRCh37 (hg19) VCF-style: chr1-53676540-TC-T.
Other names: c.1196del, p.Pro399fs (NM_001330589.2); short protein forms P399fs.
Identifiers: ClinVar variation 2117839 (VCV002117839.4), dbSNP rs2525589533, ClinGen allele CA2580063052.